The following is an entry in ClinVar:

NM_002691.4(POLD1):c.974T>C (p.Ile325Thr)

Gene: POLD1 (DNA polymerase delta 1, catalytic subunit; plus strand). Cytogenetic location: 19q13.33.
Variant type: single nucleotide variant.
Coding change: c.974T>C on transcript NM_002691.4 (MANE Select); coding-DNA position 974, T replaced by C.
Protein change: p.Ile325Thr; replaces isoleucine 325 with threonine.
Molecular consequence: missense variant. On other transcripts: non-coding transcript variant (1).
Genome position (GRCh38, 1-based): chr19:50,403,056, T>C. VCF-style: chr19-50403056-T-C. GRCh37 (hg19) VCF-style: chr19-50906313-T-C.
Other names: c.974T>C, p.Ile325Thr (NM_001256849.1, NM_001308632.1); short protein forms I325T.
Identifiers: ClinVar variation 842906 (VCV000842906.7), dbSNP rs2038720962, ClinGen allele CA406977679.
Genomic context (GRCh38, chr19:50,403,056, plus strand): 5'-CTGCTGTGTTGGGAGTGAGGGGCAGGAGTCAGGCCCCTGCATCCTCCTGCCTCGCAGGCA[T>C]CTTCCCTGAGCCTGAGCGGGACCCTGTCATCCAGATCTGCTCGCTGGGCCTGCGCTGGGG-3'
Protein context (NP_002682.2, residues 315-335): FDIECAGRKG[Ile325Thr]FPEPERDPVI

ClinVar aggregate classification (germline): Uncertain significance (1 of 4 stars; one submission).

Conditions:
POLD1-related polyposis and colorectal cancer syndrome (CRCS10). Also called: Colorectal cancer 10; COLORECTAL CANCER, SUSCEPTIBILITY TO, ON CHROMOSOME 19q; Colorectal cancer, susceptibility to, 10. Identifiers: Orphanet 220460, MedGen C2675481, MONDO:0012953, OMIM 612591.

Allele frequency attached by ClinVar (database versions not stated): gnomAD 0.00001.

Submission:

Labcorp Genetics (formerly Invitae), Labcorp
Classification: Uncertain significance for POLD1-related polyposis and colorectal cancer syndrome. Last evaluated: 2021-11-22. Review status: criteria provided, single submitter. Criteria: Invitae Variant Classification Sherloc (09022015). Collection method: clinical testing. Allele origin: germline.
Comment: This sequence change replaces isoleucine, which is neutral and non-polar, with threonine, which is neutral and polar, at codon 325 of the POLD1 protein (p.Ile325Thr). This variant is not present in population databases (gnomAD no frequency). In summary, the available evidence is currently insufficient to determine the role of this variant in disease. Therefore, it has been classified as a Variant of Uncertain Significance. Algorithms developed to predict the effect of missense changes on protein structure and function are either unavailable or do not agree on the potential impact of this missense change (SIFT: "Deleterious"; PolyPhen-2: "Benign"; Align-GVGD: "Class C0"). ClinVar contains an entry for this variant (Variation ID: 842906). This variant has not been reported in the literature in individuals affected with POLD1-related conditions.